The following is an entry in ClinVar:

ClinVar aggregate classification (germline): Uncertain significance (1 of 4 stars; one submission).

gnomAD v4.1: 5 of 1,609,216 alleles (0.00031%); highest among the groups gnomAD compares: Admixed American, 0.0067%; no homozygotes.

Submission:

Labcorp Genetics (formerly Invitae), Labcorp
Classification: Uncertain significance. Last evaluated: 2024-11-28. Review status: criteria provided, single submitter. Criteria: Invitae Variant Classification Sherloc (09022015). Collection method: clinical testing. Allele origin: germline.
Comment: This sequence change replaces lysine, which is basic and polar, with arginine, which is basic and polar, at codon 32 of the GNAI3 protein (p.Lys32Arg). This variant is present in population databases (no rsID available, gnomAD 0.009%). This variant has not been reported in the literature in individuals affected with GNAI3-related conditions. Invitae Evidence Modeling of protein sequence and biophysical properties (such as structural, functional, and spatial information, amino acid conservation, physicochemical variation, residue mobility, and thermodynamic stability) indicates that this missense variant is not expected to disrupt GNAI3 protein function with a negative predictive value of 80%. In summary, the available evidence is currently insufficient to determine the role of this variant in disease. Therefore, it has been classified as a Variant of Uncertain Significance.

NM_006496.4(GNAI3):c.95A>G (p.Lys32Arg)

Genes: GNAI3 (G protein subunit alpha i3; plus strand), LOC129931108 (ATAC-STARR-seq lymphoblastoid active region 1445; plus strand). Cytogenetic location: 1p13.3.
Variant type: single nucleotide variant.
Coding change: c.95A>G on transcript NM_006496.4 (MANE Select); coding-DNA position 95, A replaced by G.
Protein change: p.Lys32Arg; replaces lysine 32 with arginine.
Molecular consequence: missense variant.
Genome position (GRCh38, 1-based): chr1:109,548,815, A>G. VCF-style: chr1-109548815-A-G. GRCh37 (hg19) VCF-style: chr1-110091437-A-G.
Other names: short protein forms K32R.
Identifiers: ClinVar variation 3698527 (VCV003698527.2).
Genomic context (GRCh38, chr1:109,548,815, plus strand): 5'-CAGTGGAGCGAAGCAAGATGATCGACCGCAACTTACGGGAGGACGGGGAAAAAGCGGCCA[A>G]AGAAGTGAAGCTGCTGCTACTCGGTGAGGGGCTGGAGGCGGGGACTGAGTGGTGGTCGGG-3'
Protein context (NP_006487.1, residues 22-42): NLREDGEKAA[Lys32Arg]EVKLLLLGAG